The following is an entry in ClinVar:

NM_001875.5(CPS1):c.259C>T (p.Pro87Ser)

Gene: CPS1 (carbamoyl-phosphate synthase 1; plus strand). Cytogenetic location: 2q34.
Variant type: single nucleotide variant.
Coding change: c.259C>T on transcript NM_001875.5 (MANE Select); coding-DNA position 259, C replaced by T.
Protein change: p.Pro87Ser; replaces proline 87 with serine.
Molecular consequence: missense variant. On other transcripts: non-coding transcript variant (1).
Genome position (GRCh38, 1-based): chr2:210,576,368, C>T. VCF-style: chr2-210576368-C-T. GRCh37 (hg19) VCF-style: chr2-211441092-C-T.
Other names: c.259C>T (LRG_336t1); c.259C>T, p.Pro87Ser (NM_001122633.3, NM_001369257.1); c.292C>T, p.Pro98Ser (NM_001369256.1); short protein forms P87S, P98S.
Identifiers: ClinVar variation 551616 (VCV000551616.3), dbSNP rs1553509297, ClinGen allele CA350422914.

ClinVar aggregate classification (germline): Uncertain significance. Review status: criteria provided, single submitter (1 of 4 stars). 2 submissions from 2 submitters: Uncertain significance (1). 1 of the submissions does not count toward it. Last evaluated 2024-08-14.

Conditions:
Congenital hyperammonemia, type I. Also called: Carbamoyl-phosphate synthase I deficiency; Carbamoyl phosphate synthetase I deficiency disease; CPS I DEFICIENCY; Carbamoyl phosphate synthetase 1 deficiency; Hyperammonemia due to carbamoyl phosphate synthetase 1 deficiency; CPS 1 deficiency. Identifiers: Orphanet 147, MedGen C4082171, MONDO:0009376, OMIM 237300.

Allele frequency attached by ClinVar (database versions not stated): gnomAD 0.00001; gnomAD exomes 0.00001; TOPMed 0.00001.

Submissions (2):

Women's Health and Genetics/Laboratory Corporation of America, LabCorp
Classification: Uncertain significance. Last evaluated: 2024-08-14. Review status: criteria provided, single submitter. Criteria: LabCorp Variant Classification Summary - May 2015. Collection method: clinical testing. Allele origin: germline.
Comment: Variant summary: CPS1 c.259C>T (p.Pro87Ser) results in a non-conservative amino acid change located in the Carbamoyl-phosphate synthase small subunit, N-terminal domain (IPR002474) of the encoded protein sequence. Five of five in-silico tools predict a damaging effect of the variant on protein function. The variant was absent in 251186 control chromosomes. c.259C>T has been reported in the presumed compound heterozygous state in the literature in at least 2 individuals affected with Carbamoylphosphate Synthetase I Deficiency (example, Haberle_2011, Toquet_2021). These data indicate that the variant may be associated with disease. To our knowledge, no experimental evidence demonstrating an impact on protein function has been reported. The following publications have been ascertained in the context of this evaluation (PMID: 21120950, 34670888, 33309754, 34014557). ClinVar contains an entry for this variant (Variation ID: 551616). Based on the evidence outlined above, the variant was classified as VUS-possibly pathogenic.

Counsyl
Classification: Uncertain significance for Congenital hyperammonemia, type I. Last evaluated: 2017-04-21. Review status: no assertion criteria provided. Collection method: clinical testing. Allele origin: unknown. Not counted in ClinVar's aggregate classification.

Literature cited by the submitters: PubMed 21120950 (cited by Women's Health and Genetics/Laboratory Corporation of America, LabCorp and Counsyl); PubMed 33309754 (cited by Women's Health and Genetics/Laboratory Corporation of America, LabCorp); PubMed 34014557 (cited by Women's Health and Genetics/Laboratory Corporation of America, LabCorp); PubMed 34670888 (cited by Women's Health and Genetics/Laboratory Corporation of America, LabCorp).